The following is an entry in ClinVar:

ClinVar aggregate classification (germline): Likely pathogenic (1 of 4 stars; one submission).

gnomAD v4.1: 1 of 1,614,202 alleles (0.000062%); highest among the groups gnomAD compares: Non-Finnish European, 0.000085%; no homozygotes.

Submission:

GeneDx
Classification: Likely pathogenic. Last evaluated: 2025-05-22. Review status: criteria provided, single submitter. Criteria: GeneDx Variant Classification Process June 2021. Collection method: clinical testing. Allele origin: germline. Affected: yes.
Comment: Not observed at significant frequency in large population cohorts (gnomAD); In silico analysis supports that this missense variant has a deleterious effect on protein structure/function; This variant is associated with the following publications: (PMID: 23824528, 35707589, 33926074, 35468344, 28534666, 22569581, 30006346, 25476837)

NM_020320.5(RARS2):c.721T>A (p.Trp241Arg)

Gene: RARS2 (arginyl-tRNA synthetase 2, mitochondrial; minus strand). Cytogenetic location: 6q15.
Variant type: single nucleotide variant.
Coding change: c.721T>A on transcript NM_020320.5 (MANE Select); coding-DNA position 721, T replaced by A.
Protein change: p.Trp241Arg; replaces tryptophan 241 with arginine.
Molecular consequence: missense variant. On other transcripts: non-coding transcript variant (23).
Genome position (GRCh38, 1-based): chr6:87,530,834, A>T on the plus strand (T>A on the coding strand, the complement: RARS2 is on the minus strand). VCF-style: chr6-87530834-A-T. GRCh37 (hg19) VCF-style: chr6-88240552-A-T.
Other names: c.196T>A, p.Trp66Arg (NM_001318785.2, NM_001350506.2, NM_001350507.2 and 4 more transcripts); c.721T>A, p.Trp241Arg (NM_001350505.2); short protein forms W241R, W66R.
Identifiers: ClinVar variation 4530727 (VCV004530727.1).